The following is an entry in ClinVar:

ClinVar aggregate classification (germline): Likely benign. Review status: criteria provided, multiple submitters, no conflicts (2 of 4 stars). 2 submissions from 2 submitters: Likely benign (2). Last evaluated 2024-02-12.

Allele frequency attached by ClinVar (database versions not stated): gnomAD exomes below 0.00001; gnomAD 0.00005 and 0.00006; TOPMed 0.00007; ESP Exome Variant Server 0.00008.
gnomAD v4.1: 13 of 1,613,976 alleles (0.00081%); highest among the groups gnomAD compares: African/African-American, 0.016%; no homozygotes.

Submissions (2):

Labcorp Genetics (formerly Invitae), Labcorp
Classification: Likely benign. Last evaluated: 2024-02-12. Review status: criteria provided, single submitter. Criteria: Invitae Variant Classification Sherloc (09022015). Collection method: clinical testing. Allele origin: germline.

Laboratory for Molecular Medicine, Mass General Brigham Personalized Medicine
Classification: Likely benign. Last evaluated: 2011-09-17. Review status: criteria provided, single submitter. Criteria: LMM Criteria. Collection method: clinical testing. Allele origin: germline. Observed: 1 variant allele.
Comment: p.Glu161Glu in exon 10 of TMC1: This variant is not expected to have clinical si gnificance because it does not alter an amino acid residue and is not located ne ar a splice junction.

NM_138691.3(TMC1):c.483G>A (p.Glu161=)

Gene: TMC1 (transmembrane channel like 1; plus strand). Cytogenetic location: 9q21.13.
Variant type: single nucleotide variant.
Coding change: c.483G>A on transcript NM_138691.3 (MANE Select); coding-DNA position 483, G replaced by A.
Protein change: p.Glu161=; no amino-acid change (glutamic acid 161 retained).
Molecular consequence: synonymous variant.
Genome position (GRCh38, 1-based): chr9:72,742,473, G>A. VCF-style: chr9-72742473-G-A. GRCh37 (hg19) VCF-style: chr9-75357389-G-A.
Identifiers: ClinVar variation 47875 (VCV000047875.7), dbSNP rs375984349, ClinGen allele CA142083.